The following is an entry in ClinVar:

ClinVar aggregate classification (germline): Conflicting classifications of pathogenicity. Review status: criteria provided, conflicting classifications (1 of 4 stars). 16 submissions from 16 submitters: Uncertain significance (15); Likely benign (1). Last evaluated 2026-01-11.

Conditions:
TNNI3-related disorder. Also called: TNNI3-related disorders; TNNI3-related condition.
Cardiovascular phenotype. Identifiers: MedGen CN230736.
Dilated cardiomyopathy 2A (CMD2A). Also called: CARDIOMYOPATHY, CONGESTIVE, AUTOSOMAL RECESSIVE; CARDIOMYOPATHY, DILATED, AUTOSOMAL RECESSIVE. Identifiers: Orphanet 154, MedGen C2678474, MONDO:0012746, OMIM 611880.
Cardiomyopathy, familial restrictive, 1. Identifiers: Orphanet 75249, MedGen C1861861, MONDO:0007270, OMIM 115210.
Hypertrophic cardiomyopathy 7. Also called: TNNI3-Related Familial Hypertrophic Cardiomyopathy; Familial hypertrophic cardiomyopathy 7; CARDIOMYOPATHY, FAMILIAL HYPERTROPHIC, 7, MODIFIER OF. Identifiers: MedGen C1860752, MONDO:0013369, OMIM 613690.
Dilated cardiomyopathy 1FF (CMD1FF). Identifiers: Orphanet 154, MedGen C2750091, MONDO:0013211, OMIM 613286.
Long QT syndrome (LQTS). Identifiers: MedGen C0023976, MeSH D008133, MONDO:0002442. Disease mechanism: loss of function. Inheritance: Various modes of inheritance.
Cardiomyopathy (CMYO). Also called: Cardiomyopathies. Identifiers: Orphanet 167848, MedGen C0878544, MONDO:0004994, HP:0001638. Inheritance: Various modes of inheritance.
Hypertrophic cardiomyopathy 1 (CMH1). Also called: Familial hypertrophic cardiomyopathy 1; MYH7-Related Familial Hypertrophic Cardiomyopathy. Identifiers: MedGen C3495498, MONDO:0008647, OMIM 192600.
Primary dilated cardiomyopathy (DCM). Also called: Dilated Cardiomyopathy. Identifiers: Orphanet 217604, MedGen C0007193, MeSH D002311, MONDO:0005021, HP:0001644. Inheritance: Various modes of inheritance.
Hypertrophic cardiomyopathy. Also called: HYPERTROPHIC MYOCARDIOPATHY. Identifiers: Orphanet 217569, MedGen C0007194, MeSH D002312, MONDO:0005045, HP:0001639.

Allele frequency attached by ClinVar (database versions not stated): ExAC 0.00003; TOPMed 0.00005; gnomAD 0.00006; 1000 Genomes Project 30x 0.00031; 1000 Genomes Project 0.00040.

Submissions 1 to 9 of 16:

Labcorp Genetics (formerly Invitae), Labcorp
Classification: Uncertain significance for Hypertrophic cardiomyopathy. Last evaluated: 2026-01-11. Review status: criteria provided, single submitter. Criteria: Invitae Variant Classification Sherloc (09022015). Collection method: clinical testing. Allele origin: germline.
Comment: This sequence change replaces threonine, which is neutral and polar, with asparagine, which is neutral and polar, at codon 119 of the TNNI3 protein (p.Thr119Asn). This variant is present in population databases (rs184709702, gnomAD 0.01%). This missense change has been observed in individual(s) with dilated cardiomyopathy and hypertrophic cardiomyopathy (PMID: 24503780, 25524337, 27532257, 30297972, 37652022). ClinVar contains an entry for this variant (Variation ID: 43375). An algorithm developed to predict the effect of missense changes on protein structure and function outputs the following: PolyPhen-2: "Benign". The asparagine amino acid residue is found in multiple mammalian species, which suggests that this missense change does not adversely affect protein function. In summary, the available evidence is currently insufficient to determine the role of this variant in disease. Therefore, it has been classified as a Variant of Uncertain Significance.

PreventionGenetics, part of Exact Sciences
Classification: Uncertain significance for TNNI3-related condition. Last evaluated: 2025-12-19. Review status: criteria provided, single submitter. Criteria: ACMG Guidelines, 2015. Collection method: clinical testing. Allele origin: germline.
Comment: The TNNI3 c.356C>A variant is predicted to result in the amino acid substitution p.Thr119Asn. This variant has been reported in multiple individuals with dilated cardiomyopathy and hypertrophic cardiomyopathy (Table S1, Coppini et al. 2014. PubMed ID: 25524337; Table S1B, Walsh et al. 2016. PubMed ID: 27532257; Table S10, McGurk et al. 2023. PubMed ID: 37652022; Table S3, Pugh et al. 2014. PubMed ID: 24503780; Table S1, Ho et al. 2018. PubMed ID: 30297972). This variant is reported in 0.012% of alleles in individuals of African descent in gnomAD and has been classified as uncertain by multiple laboratories in ClinVar (Variation ID: 43375). At this time, the clinical significance of this variant is uncertain due to the absence of conclusive functional and genetic evidence.

Women's Health and Genetics/Laboratory Corporation of America, LabCorp
Classification: Uncertain significance. Last evaluated: 2025-08-01. Review status: criteria provided, single submitter. Criteria: LabCorp Variant Classification Summary - May 2015. Collection method: clinical testing. Allele origin: germline.
Comment: Variant summary: TNNI3 c.356C>A (p.Thr119Asn) results in a non-conservative amino acid change in the encoded protein sequence. Algorithms developed to predict the effect of missense changes on protein structure and function are either unavailable or do not agree on the potential impact of this missense change. The variant allele was found at a frequency of 3.2e-05 in 249386 control chromosomes (gnomAD). The available data on variant occurrences in the general population are insufficient to allow any conclusion about variant significance. c.356C>A has been reported in the literature in individuals affected with Cardiomyopathy (Walsh_2016, Pugh_2014, Coppini_2014, Lakdawala_2012, McGurk_2023). These reports do not provide unequivocal conclusions about association of the variant with Cardiomyopathy. To our knowledge, no experimental evidence demonstrating an impact on protein function has been reported. The following publications have been ascertained in the context of this evaluation (PMID: 25524337, 22464770, 37652022, 26440512, 24503780, 27532257). ClinVar contains an entry for this variant (Variation ID: 43375). Based on the evidence outlined above, the variant was classified as uncertain significance.

Color Diagnostics, LLC DBA Color Health
Classification: Uncertain significance for Cardiomyopathy. Last evaluated: 2025-02-25. Review status: criteria provided, single submitter. Criteria: ACMG Guidelines, 2015. Collection method: clinical testing. Allele origin: germline.
Comment: This missense variant replaces threonine with asparagine at codon 119 of the TNNI3 protein. Computational prediction suggests that this variant may have a deleterious impact on protein structure and function. To our knowledge, functional studies have not been reported for this variant. This variant has been reported in one individual affected with hypertrophic cardiomyopathy (PMID: 25524337, 30297972) and in two individuals affected with dilated cardiomyopathy (PMID: 24503780, 27532257). This variant has been identified in 10/280786 chromosomes in the general population by the Genome Aggregation Database (gnomAD). The available evidence is insufficient to determine the role of this variant in disease conclusively. Therefore, this variant is classified as a Variant of Uncertain Significance.

GeneDx
Classification: Uncertain significance. Last evaluated: 2025-02-11. Review status: criteria provided, single submitter. Criteria: GeneDx Variant Classification Process June 2021. Collection method: clinical testing. Allele origin: germline. Affected: yes.
Comment: In silico analysis indicates that this missense variant does not alter protein structure/function; Reported in individuals with DCM and HCM referred for genetic testing at GeneDx and in published literature (PMID: 25524337, 22464770, 24503780, 26169204, 27532257); This variant is associated with the following publications: (PMID: 26169204, 27532257, 24503780, 26440512, 22464770, 37652022, 25524337)

Genomic Medicine Center of Excellence, King Faisal Specialist Hospital and Research Centre
Classification: Uncertain significance for Hypertrophic cardiomyopathy 7. Last evaluated: 2024-12-18. Review status: criteria provided, single submitter. Criteria: ACMG Guidelines, 2015. Collection method: clinical testing. Allele origin: germline.

All of Us Research Program, National Institutes of Health
Classification: Uncertain significance for Hypertrophic cardiomyopathy. Last evaluated: 2024-09-23. Review status: criteria provided, single submitter. Criteria: ACMG Guidelines, 2015. Collection method: clinical testing. Allele origin: germline. Inheritance: Autosomal dominant inheritance. Observed: 15 variant alleles, 15 heterozygotes.
Comment: This missense variant replaces threonine with asparagine at codon 119 of the TNNI3 protein. Computational prediction tools indicate that this variant has a deleterious impact on protein structure and function. To our knowledge, functional studies have not been reported for this variant. This variant has been reported in one individual affected with hypertrophic cardiomyopathy (PMID: 25524337, 30297972) and in two individuals affected with dilated cardiomyopathy (PMID: 24503780, 27532257). This variant has been identified in 10/280786 chromosomes in the general population by the Genome Aggregation Database (gnomAD). The available evidence is insufficient to determine the role of this variant in disease conclusively. Therefore, this variant is classified as a Variant of Uncertain Significance.

This study involves interpretation of variants in research participants for the purpose of population health screening. Participant phenotype was not available at the time of variant classification. Additional details can be found in publication PMID: 35346344, PMCID: PMC8962531

Blueprint Genetics
Classification: Likely benign. Last evaluated: 2024-09-05. Review status: criteria provided, single submitter. Criteria: ACMG Guidelines, 2015. Collection method: clinical testing. Allele origin: germline.

Dept of Medical Biology, Uskudar University
Classification: Uncertain significance for Long QT syndrome. Last evaluated: 2024-01-08. Review status: criteria provided, single submitter. Criteria: Dept of Medical Biology Variant Classification. Collection method: research. Allele origin: unknown. Affected: yes. Observed: 1 variant allele.
Comment: Criteria: PM2, PP2, BP4

NM_000363.5(TNNI3):c.356C>A (p.Thr119Asn)

Gene: TNNI3 (troponin I3, cardiac type; minus strand). Cytogenetic location: 19q13.42.
Variant type: single nucleotide variant.
Coding change: c.356C>A on transcript NM_000363.5 (MANE Select); coding-DNA position 356, C replaced by A.
Protein change: p.Thr119Asn; replaces threonine 119 with asparagine.
Molecular consequence: missense variant.
Genome position (GRCh38, 1-based): chr19:55,154,757, G>T on the plus strand (C>A on the coding strand, the complement: TNNI3 is on the minus strand). VCF-style: chr19-55154757-G-T. GRCh37 (hg19) VCF-style: chr19-55666125-G-T.
Other names: short protein forms T119N.
Identifiers: ClinVar variation 43375 (VCV000043375.49), dbSNP rs184709702, ClinGen allele CA021520.